The following is an entry in ClinVar:

NM_007294.4(BRCA1):c.5278A>C (p.Ile1760Leu)

Gene: BRCA1 (BRCA1 DNA repair associated; minus strand). Cytogenetic location: 17q21.31.
Variant type: single nucleotide variant.
Coding change: c.5278A>C on transcript NM_007294.4 (MANE Select); coding-DNA position 5278, A replaced by C.
Protein change: p.Ile1760Leu; replaces isoleucine 1760 with leucine.
Molecular consequence: missense variant. On other transcripts: non-coding transcript variant (1).
Genome position (GRCh38, 1-based): chr17:43,051,117, T>G on the plus strand (A>C on the coding strand, the complement: BRCA1 is on the minus strand). VCF-style: chr17-43051117-T-G. GRCh37 (hg19) VCF-style: chr17-41203134-T-G.
Other names: c.5062A>C, p.Ile1688Leu (NM_001407916.1, NM_001407917.1, NM_001407918.1 and 1 more transcripts); c.5014A>C, p.Ile1672Leu (NM_001407920.1, NM_001407921.1, NM_001407922.1 and 4 more transcripts); c.1705A>C, p.Ile569Leu (NM_001408501.1, NM_001408496.1, NM_001408497.1 and 3 more transcripts); c.1702A>C, p.Ile568Leu (NM_001408502.1, NM_001408503.1, NM_001408504.1); c.1699A>C, p.Ile567Leu (NM_001408505.1); c.1642A>C, p.Ile548Leu (NM_001408506.1); c.1639A>C, p.Ile547Leu (NM_001408507.1); c.1630A>C, p.Ile544Leu (NM_001408508.1); and 72 more; short protein forms I1760L, I1713L, I1781L, I656L, I1591L, I1670L, I1690L, I1716L.
Identifiers: ClinVar variation 868284 (VCV000868284.5), dbSNP rs2051214609, ClinGen allele CA10590991.

ClinVar aggregate classification (germline): Uncertain significance (1 of 4 stars; one submission).

Submissions (2):

GeneDx
Classification: Uncertain significance. Last evaluated: 2019-10-16. Review status: criteria provided, single submitter. Criteria: GeneDx Variant Classification Process June 2021. Collection method: clinical testing. Allele origin: germline. Affected: yes.
Comment: Not observed in large population cohorts (Lek et al., 2016); In silico analysis, which includes protein predictors and evolutionary conservation, supports that this variant does not alter protein structure/function; This variant is associated with the following publications: (PMID: 30209399)

Brotman Baty Institute, University of Washington
No classification provided (evidence only). Condition: Breast-ovarian cancer, familial 1. Review status: no classification provided. Collection method: in vitro. Allele origin: not applicable. Functional consequence: functionally_normal. Not counted in ClinVar's aggregate classification.
ClinVar note: "not provided" was previously submitted as the classification for the variant. However, the classification appeared to be based only on an observation of functional data so it was converted to no classification on 2025-07-30.